The following is an entry in ClinVar:

ClinVar aggregate classification (germline): Pathogenic (1 of 4 stars; one submission).

Conditions:
Atypical hemolytic-uremic syndrome. Identifiers: Orphanet 2134, MedGen C2931788, MONDO:0016244.

Submission:

Genomenon, Inc
Classification: Pathogenic for Atypical hemolytic-uremic syndrome. Last evaluated: 2026-09-17. Review status: criteria provided, single submitter. Criteria: Genomenon Sequence Variant Interpretation Standards - Updated. Collection method: curation. Allele origin: germline. Affected: yes.
Comment: CFH p.Ser883HisfsTer15 (c.2647del) is a frameshift variant that is predicted to introduce a premature termination codon and result in a truncated or absent protein product. This variant has been observed in at least one proband affected with atypical hemolytic-uremic syndrome (PMID: 34757577). It is absent or not present at a significant frequency in gnomAD. In conclusion, we classify CFH p.Ser883HisfsTer15 (c.2647del) as a pathogenic variant.

Literature cited by the submitters: PubMed 34757577.

NM_000186.4(CFH):c.2647del (p.Ser883fs)

Gene: CFH (complement factor H; plus strand). Cytogenetic location: 1q31.3.
Variant type: Deletion.
Coding change: c.2647del on transcript NM_000186.4 (MANE Select); coding-DNA position 2647, one base deleted (T; older notation c.2647delT).
Protein change: p.Ser883fs; shifts the reading frame from serine 883.
Molecular consequence: frameshift variant.
Genome position (GRCh38, 1-based): chr1:196,737,525, T deleted; the last of 2 consecutive T bases (chr1:196,737,524-196,737,525); deleting either gives the same sequence. VCF-style (leftmost placement, unchanged base first): chr1-196737523-AT-A. GRCh37 (hg19) VCF-style: chr1-196706653-AT-A.
Other names: short protein forms S883fs.
Identifiers: ClinVar variation 4976853 (VCV004976853.1).